The following is an entry in ClinVar:

NM_000142.5(FGFR3):c.1250T>A (p.Phe417Tyr)

Gene: FGFR3 (fibroblast growth factor receptor 3; plus strand). Cytogenetic location: 4p16.3.
Variant type: single nucleotide variant.
Coding change: c.1250T>A on transcript NM_000142.5 (MANE Select); coding-DNA position 1250, T replaced by A.
Protein change: p.Phe417Tyr; replaces phenylalanine 417 with tyrosine.
Molecular consequence: missense variant. On other transcripts: non-coding transcript variant (1), intron variant (1).
Genome position (GRCh38, 1-based): chr4:1,804,504, T>A. VCF-style: chr4-1804504-T-A. GRCh37 (hg19) VCF-style: chr4-1806231-T-A.
Other names: c.1256T>A, p.Phe419Tyr (NM_001163213.2); c.1250T>A, p.Phe417Tyr (NM_001354809.2, NM_001354810.2); c.931-320T>A (NM_022965.4); short protein forms F419Y, F417Y.
Identifiers: ClinVar variation 3006796 (VCV003006796.4), dbSNP rs2108798298, ClinGen allele CA355979744.

ClinVar aggregate classification (germline): Uncertain significance. Review status: criteria provided, multiple submitters, no conflicts (2 of 4 stars). 2 submissions from 2 submitters: Uncertain significance (2). Last evaluated 2025-03-17.

Submissions (2):

Labcorp Genetics (formerly Invitae), Labcorp
Classification: Uncertain significance. Last evaluated: 2025-03-17. Review status: criteria provided, single submitter. Criteria: Invitae Variant Classification Sherloc (09022015). Collection method: clinical testing. Allele origin: germline.
Comment: This sequence change replaces phenylalanine, which is neutral and non-polar, with tyrosine, which is neutral and polar, at codon 417 of the FGFR3 protein (p.Phe417Tyr). This variant is not present in population databases (gnomAD no frequency). This variant has not been reported in the literature in individuals affected with FGFR3-related conditions. ClinVar contains an entry for this variant (Variation ID: 3006796). Invitae Evidence Modeling of protein sequence and biophysical properties (such as structural, functional, and spatial information, amino acid conservation, physicochemical variation, residue mobility, and thermodynamic stability) indicates that this missense variant is not expected to disrupt FGFR3 protein function with a negative predictive value of 80%. In summary, the available evidence is currently insufficient to determine the role of this variant in disease. Therefore, it has been classified as a Variant of Uncertain Significance.

Blueprint Genetics
Classification: Uncertain significance. Last evaluated: 2022-08-24. Review status: criteria provided, single submitter. Criteria: ACMG Guidelines, 2015. Collection method: clinical testing. Allele origin: germline.